The following is an entry in ClinVar:

ClinVar aggregate classification (germline): Likely benign. Review status: criteria provided, single submitter (1 of 4 stars). 2 submissions from 2 submitters: Likely benign (1). 1 of the submissions does not count toward it. Last evaluated 2024-04-20.

Conditions:
Inborn genetic diseases. Identifiers: MedGen C0950123, MeSH D030342.
CDK5RAP2-related disorder. Also called: CDK5RAP2-related condition.

gnomAD v4.1: 11 of 1,612,558 alleles (0.00068%); highest among the groups gnomAD compares: Non-Finnish European, 0.00017%; no homozygotes.

Submissions (2):

Ambry Genetics
Classification: Likely benign for Inborn genetic diseases. Last evaluated: 2024-04-20. Review status: criteria provided, single submitter. Criteria: Ambry Variant Classification Scheme 2023. Collection method: clinical testing. Allele origin: germline.

PreventionGenetics, part of Exact Sciences
Classification: Uncertain significance for CDK5RAP2-related condition. Last evaluated: 2024-05-02. Review status: no assertion criteria provided. Collection method: clinical testing. Allele origin: germline. Not counted in ClinVar's aggregate classification.
Comment: The CDK5RAP2 c.133C>T variant is predicted to result in the amino acid substitution p.Pro45Ser. To our knowledge, this variant has not been reported in the literature. This variant is reported in 0.020% of alleles in individuals of Ashkenazi Jewish descent in gnomAD. At this time, the clinical significance of this variant is uncertain due to the absence of conclusive functional and genetic evidence.

NM_018249.6(CDK5RAP2):c.133C>T (p.Pro45Ser)

Gene: CDK5RAP2 (CDK5 regulatory subunit associated protein 2; minus strand). Cytogenetic location: 9q33.2.
Variant type: single nucleotide variant.
Coding change: c.133C>T on transcript NM_018249.6 (MANE Select); coding-DNA position 133, C replaced by T.
Protein change: p.Pro45Ser; replaces proline 45 with serine.
Molecular consequence: missense variant. On other transcripts: non-coding transcript variant (5).
Genome position (GRCh38, 1-based): chr9:120,568,383, G>A on the plus strand (C>T on the coding strand, the complement: CDK5RAP2 is on the minus strand). VCF-style: chr9-120568383-G-A. GRCh37 (hg19) VCF-style: chr9-123330661-G-A.
Other names: c.133C>T, p.Pro45Ser (NM_001011649.3, NM_001272039.2, NM_001410992.1 and 2 more transcripts); c.133C>T (NM_018249.5); short protein forms P45S.
Identifiers: ClinVar variation 3265492 (VCV003265492.2).